The following is an entry in ClinVar:

ClinVar aggregate classification (germline): Conflicting classifications of pathogenicity. Review status: criteria provided, conflicting classifications (1 of 4 stars). 6 submissions from 5 submitters: Uncertain significance (5); Likely benign (1). Last evaluated 2025-11-23.

Conditions:
Inborn genetic diseases. Identifiers: MedGen C0950123, MeSH D030342.
Loeys-Dietz syndrome 4 (LDS4). Also called: TGFB2-Related Loeys-Dietz Syndrome; ANEURYSM, AORTIC AND CEREBRAL, WITH ARTERIAL TORTUOSITY AND SKELETAL MANIFESTATIONS. Identifiers: MedGen C3553762, MONDO:0013897, OMIM 614816.
Familial thoracic aortic aneurysm and aortic dissection (TAAD). Also called: Thoracic aortic aneurysms and dissections. Identifiers: Orphanet 91387, MedGen C4707243, MONDO:0019625.

Allele frequency attached by ClinVar (database versions not stated): gnomAD 0.00001; TOPMed 0.00001; ExAC 0.00002; gnomAD exomes 0.00003; ESP Exome Variant Server 0.00008.
gnomAD v4.1: 68 of 1,613,594 alleles (0.0042%); highest among the groups gnomAD compares: Middle Eastern, 0.016%; no homozygotes.

Submissions (6):

GeneDx
Classification: Uncertain significance. Last evaluated: 2025-11-23. Review status: criteria provided, single submitter. Criteria: GeneDx Variant Classification Process June 2021. Collection method: clinical testing. Allele origin: germline. Affected: yes.
Comment: Has not been previously published as pathogenic or benign to our knowledge; In silico analysis supports that this missense variant has a deleterious effect on protein structure/function

Labcorp Genetics (formerly Invitae), Labcorp
Classification: Uncertain significance for Loeys-Dietz syndrome 4. Last evaluated: 2025-09-14. Review status: criteria provided, single submitter. Criteria: Invitae Variant Classification Sherloc (09022015). Collection method: clinical testing. Allele origin: germline.
Comment: This sequence change replaces valine, which is neutral and non-polar, with methionine, which is neutral and non-polar, at codon 381 of the TGFB2 protein (p.Val381Met). This variant is present in population databases (rs376159002, gnomAD 0.007%). This variant has not been reported in the literature in individuals affected with TGFB2-related conditions. ClinVar contains an entry for this variant (Variation ID: 520200). Invitae Evidence Modeling of protein sequence and biophysical properties (such as structural, functional, and spatial information, amino acid conservation, physicochemical variation, residue mobility, and thermodynamic stability) indicates that this missense variant is expected to disrupt TGFB2 protein function with a positive predictive value of 80%. In summary, the available evidence is currently insufficient to determine the role of this variant in disease. Therefore, it has been classified as a Variant of Uncertain Significance.

Ambry Genetics
Classification: Uncertain significance for Familial thoracic aortic aneurysm and aortic dissection. Last evaluated: 2024-12-28. Review status: criteria provided, single submitter. Criteria: Ambry Variant Classification Scheme 2023. Collection method: clinical testing. Allele origin: germline.
Comment: The p.V381M variant (also known as c.1141G>A), located in coding exon 7 of the TGFB2 gene, results from a G to A substitution at nucleotide position 1141. The valine at codon 381 is replaced by methionine, an amino acid with highly similar properties. This amino acid position is highly conserved in available vertebrate species. In addition, this alteration is predicted to be deleterious by in silico analysis. Since supporting evidence is limited at this time, the clinical significance of this alteration remains unclear.

Women's Health and Genetics/Laboratory Corporation of America, LabCorp
Classification: Likely benign. Last evaluated: 2024-06-19. Review status: criteria provided, single submitter. Criteria: LabCorp Variant Classification Summary - May 2015. Collection method: clinical testing. Allele origin: germline.
Comment: Variant summary: TGFB2 c.1141G>A (p.Val381Met) results in a conservative amino acid change located in the transforming growth factor-beta, C-terminal (IPR001839) of the encoded protein sequence. Four of five in-silico tools predict a damaging effect of the variant on protein function. The variant allele was found at a frequency of 4.2e-05 in 1613594 control chromosomes (gnomAD v4.1.0). The observed variant frequency is approximately 2-fold of the estimated maximal expected allele frequency for a pathogenic variant in TGFB2 causing Thoracic Aortic Aneurysms And Dissections phenotype (2.5e-05). To our knowledge, no occurrence of c.1141G>A in individuals affected with Thoracic Aortic Aneurysms And Dissections and no experimental evidence demonstrating its impact on protein function have been reported. ClinVar contains an entry for this variant (Variation ID: 520200). Based on the evidence outlined above, the variant was classified as likely benign.

Fulgent Genetics
Classification: Uncertain significance for Loeys-Dietz syndrome 4. Last evaluated: 2021-07-22. Review status: criteria provided, single submitter. Criteria: ACMG Guidelines, 2015. Collection method: clinical testing. Allele origin: unknown.

Ambry Genetics
Classification: Uncertain significance for Inborn genetic diseases. Last evaluated: 2017-09-05. Review status: criteria provided, single submitter. Criteria: Ambry exome assertion method (8-5-2015). Collection method: clinical testing. Allele origin: germline. Affected: yes. Observed: 1 variant allele.

NM_003238.6(TGFB2):c.1141G>A (p.Val381Met)

Gene: TGFB2 (transforming growth factor beta 2; plus strand). Cytogenetic location: 1q41.
Variant type: single nucleotide variant.
Coding change: c.1141G>A on transcript NM_003238.6 (MANE Select); coding-DNA position 1141, G replaced by A.
Protein change: p.Val381Met; replaces valine 381 with methionine.
Molecular consequence: missense variant. On other transcripts: non-coding transcript variant (2).
Genome position (GRCh38, 1-based): chr1:218,441,258, G>A. VCF-style: chr1-218441258-G-A. GRCh37 (hg19) VCF-style: chr1-218614600-G-A.
Other names: c.1225G>A, p.Val409Met (NM_001135599.4); short protein forms V381M, V409M.
Identifiers: ClinVar variation 520200 (VCV000520200.19), dbSNP rs376159002, ClinGen allele CA1398688.